The following is an entry in ClinVar:

ClinVar aggregate classification (germline): Pathogenic. Review status: criteria provided, single submitter (1 of 4 stars). 2 submissions from 2 submitters: Pathogenic (1). 1 of the submissions does not count toward it. Last evaluated 2023-05-20.

Conditions:
CHARGE syndrome (CHARGE). Also called: Coloboma, heart anomaly, choanal atresia, retardation, genital and ear anomalies; CHARGE association; Hall-Hittner syndrome; Hittner Hirsch Kreh syndrome; CHARGE ASSOCIATION--COLOBOMA, HEART ANOMALY, CHOANAL ATRESIA, RETARDATION, GENITAL AND EAR ANOMALIES. Identifiers: Orphanet 138, MedGen C0265354, MONDO:0008965.

Submissions (2):

Labcorp Genetics (formerly Invitae), Labcorp
Classification: Pathogenic for CHARGE syndrome. Last evaluated: 2023-05-20. Review status: criteria provided, single submitter. Criteria: Invitae Variant Classification Sherloc (09022015). Collection method: clinical testing. Allele origin: germline.
Comment: This premature translational stop signal has been observed in individual(s) with CHARGE syndrome (PMID: 22461308). ClinVar contains an entry for this variant (Variation ID: 1697861). For these reasons, this variant has been classified as Pathogenic. This variant is not present in population databases (gnomAD no frequency). This sequence change creates a premature translational stop signal (p.Gln78*) in the CHD7 gene. It is expected to result in an absent or disrupted protein product. Loss-of-function variants in CHD7 are known to be pathogenic (PMID: 22461308, 25077900).

Division of Human Genetics, National Health Laboratory Service/University of the Witwatersrand
Classification: Pathogenic for CHD7-related CHARGE syndrome. Review status: no assertion criteria provided. Collection method: research. Allele origin: unknown. Affected: yes. Observed: 1 variant allele. Not counted in ClinVar's aggregate classification.

Literature cited by the submitters: PubMed 22461308 (cited by Labcorp Genetics (formerly Invitae), Labcorp); PubMed 25077900 (cited by Labcorp Genetics (formerly Invitae), Labcorp).

NM_017780.4(CHD7):c.232C>T (p.Gln78Ter)

Gene: CHD7 (chromodomain helicase DNA binding protein 7; plus strand). Cytogenetic location: 8q12.2.
Variant type: single nucleotide variant.
Coding change: c.232C>T on transcript NM_017780.4 (MANE Select); coding-DNA position 232, C replaced by T.
Protein change: p.Gln78Ter; replaces glutamine 78 with a stop codon.
Molecular consequence: nonsense.
Genome position (GRCh38, 1-based): chr8:60,741,664, C>T. VCF-style: chr8-60741664-C-T. GRCh37 (hg19) VCF-style: chr8-61654223-C-T.
Other names: c.232C>T, p.Gln78Ter (NM_001316690.1); short protein forms Q78*.
Identifiers: ClinVar variation 1697861 (VCV001697861.4), dbSNP rs2150577671, ClinGen allele CA371296616.